The following is an entry in ClinVar:

ClinVar aggregate classification (germline): Uncertain significance. Review status: criteria provided, multiple submitters, no conflicts (2 of 4 stars). 2 submissions from 2 submitters: Uncertain significance (2). Last evaluated 2022-04-24.

Conditions:
MOGS-congenital disorder of glycosylation. Also called: GLUCOSIDASE I DEFICIENCY; MOGS-CDG; CDG IIb; CDG 2B. Identifiers: Orphanet 79330, MedGen C1853736, MONDO:0011629, OMIM 606056.
Inborn genetic diseases. Identifiers: MedGen C0950123, MeSH D030342.

Allele frequency attached by ClinVar (database versions not stated): gnomAD exomes below 0.00001 and 0.00001; gnomAD 0.00001; TOPMed 0.00002; ExAC 0.00003.

Submissions (3):

Labcorp Genetics (formerly Invitae), Labcorp
Classification: Uncertain significance for MOGS-congenital disorder of glycosylation. Last evaluated: 2022-04-24. Review status: criteria provided, single submitter. Criteria: Invitae Variant Classification Sherloc (09022015). Collection method: clinical testing. Allele origin: germline.
Comment: In summary, the available evidence is currently insufficient to determine the role of this variant in disease. Therefore, it has been classified as a Variant of Uncertain Significance. Algorithms developed to predict the effect of sequence changes on RNA splicing suggest that this variant may create or strengthen a splice site. Algorithms developed to predict the effect of missense changes on protein structure and function (SIFT, PolyPhen-2, Align-GVGD) all suggest that this variant is likely to be tolerated. ClinVar contains an entry for this variant (Variation ID: 933851). This variant has not been reported in the literature in individuals affected with MOGS-related conditions. This variant is present in population databases (rs750824295, gnomAD 0.003%). This sequence change replaces asparagine, which is neutral and polar, with serine, which is neutral and polar, at codon 261 of the MOGS protein (p.Asn261Ser).

Ambry Genetics
Classification: Uncertain significance for Inborn genetic diseases. Last evaluated: 2022-03-10. Review status: criteria provided, single submitter. Criteria: Ambry Variant Classification Scheme 2023. Collection method: clinical testing. Allele origin: germline.

Dr. Peter K. Rogan Lab, Western University
No classification provided (evidence only). Condition: Ovarian serous cystadenocarcinoma. Review status: no classification provided. Collection method: in vitro. Allele origin: not applicable. Functional consequence: retained intron. Not counted in ClinVar's aggregate classification.

NM_006302.3(MOGS):c.782A>G (p.Asn261Ser)

Gene: MOGS (mannosyl-oligosaccharide glucosidase; minus strand). Cytogenetic location: 2p13.1.
Variant type: single nucleotide variant.
Coding change: c.782A>G on transcript NM_006302.3 (MANE Select); coding-DNA position 782, A replaced by G.
Protein change: p.Asn261Ser; replaces asparagine 261 with serine.
Molecular consequence: missense variant.
Genome position (GRCh38, 1-based): chr2:74,463,007, T>C on the plus strand (A>G on the coding strand, the complement: MOGS is on the minus strand). VCF-style: chr2-74463007-T-C. GRCh37 (hg19) VCF-style: chr2-74690134-T-C.
Other names: c.464A>G, p.Asn155Ser (NM_001146158.2); short protein forms N155S, N261S.
Identifiers: ClinVar variation 933851 (VCV000933851.12), dbSNP rs750824295, ClinGen allele CA1724924.
Genomic context (GRCh38, chr2:74,463,007, plus strand): 5'-AGGCGACTCTTTACCATCTCTGTCAGCAGGGGCAGTCCTGGGTTGGAGGTCCAGAAGACA[T>C]TGTAGCTTGAAGGGGAGAAGATAAATAGGAAATATTATTCAAGAGAAGGCAGTGGGCATT-3'
Protein context (NP_006293.2, residues 251-271): GDTAPKYGSY[Asn261Ser]VFWTSNPGLP